The following is an entry in ClinVar:

ClinVar aggregate classification (germline): Uncertain significance (1 of 4 stars; one submission).

Allele frequency attached by ClinVar (database versions not stated): gnomAD exomes below 0.00001.
gnomAD v4.1: 2 of 1,614,112 alleles (0.00012%); highest among the groups gnomAD compares: Non-Finnish European, 0.00017%; no homozygotes.

Submission:

Labcorp Genetics (formerly Invitae), Labcorp
Classification: Uncertain significance. Last evaluated: 2024-01-08. Review status: criteria provided, single submitter. Criteria: Invitae Variant Classification Sherloc (09022015). Collection method: clinical testing. Allele origin: germline.
Comment: This sequence change replaces threonine, which is neutral and polar, with isoleucine, which is neutral and non-polar, at codon 404 of the FBN3 protein (p.Thr404Ile). This variant is not present in population databases (gnomAD no frequency). This variant has not been reported in the literature in individuals affected with FBN3-related conditions. An algorithm developed to predict the effect of missense changes on protein structure and function (PolyPhen-2) suggests that this variant is likely to be disruptive. In summary, the available evidence is currently insufficient to determine the role of this variant in disease. Therefore, it has been classified as a Variant of Uncertain Significance.

NM_032447.5(FBN3):c.1211C>T (p.Thr404Ile)

Gene: FBN3 (fibrillin 3; minus strand). Cytogenetic location: 19p13.2.
Variant type: single nucleotide variant.
Coding change: c.1211C>T on transcript NM_032447.5 (MANE Select); coding-DNA position 1211, C replaced by T.
Protein change: p.Thr404Ile; replaces threonine 404 with isoleucine.
Molecular consequence: missense variant.
Genome position (GRCh38, 1-based): chr19:8,136,522, G>A on the plus strand (C>T on the coding strand, the complement: FBN3 is on the minus strand). VCF-style: chr19-8136522-G-A. GRCh37 (hg19) VCF-style: chr19-8201406-G-A.
Other names: c.1211C>T, p.Thr404Ile (NM_001321431.2); short protein forms T404I.
Identifiers: ClinVar variation 2959293 (VCV002959293.3), dbSNP rs2512299968, ClinGen allele CA403711502.
Genomic context (GRCh38, chr19:8,136,522, plus strand): 5'-CAGCGGCCATTCAGACACAGGTTGGTGAAGTGTCGGCAGATGTCAATGGTCTGGTTCAGG[G>A]TAGCAGTGCCTACGGGTGGGGCCGGCAGAGGCATCTGAGCAGTGGCTGGCCCCGCCCCAG-3'
Protein context (NP_115823.3, residues 394-414): GPGNSNIGTA[Thr404Ile]LNQTIDICRH